The following is an entry in ClinVar:

NC_000001.10:g.(?_103380260)_(103548528_?)del

Gene: COL11A1 (collagen type XI alpha 1 chain; minus strand). Cytogenetic location: 1p21.1.
Variant type: Deletion.
Identifiers: ClinVar variation 1068130 (VCV001068130.7).

ClinVar aggregate classification (germline): Pathogenic (1 of 4 stars; one submission).

Submission:

Labcorp Genetics (formerly Invitae), Labcorp
Classification: Pathogenic. Last evaluated: 2023-05-04. Review status: criteria provided, single submitter. Criteria: Invitae Variant Classification Sherloc (09022015). Collection method: clinical testing. Allele origin: germline.
Comment: For these reasons, this variant has been classified as Pathogenic. This variant disrupts a region of the COL11A1 protein in which other variant(s) (p.Gly868Asp) have been determined to be pathogenic (Invitae). This suggests that this is a clinically significant region of the protein, and that variants that disrupt it are likely to be disease-causing. This deletion includes the triple helix region of COL11A1. Glycine residues within the Gly-Xaa-Yaa repeats of the triple helix domain are required for the structure and stability of fibrillar collagens (PMID: 7695699, 8218237, 19344236). This suggests that a deletion that includes this region may also be pathogenic. This variant has not been reported in the literature in individuals affected with COL11A1-related conditions. This variant is a gross deletion of the genomic region encompassing exon(s) 2-67 of the COL11A1 gene, which includes the termination codon. This deletion extends beyond the assayed region for this gene and therefore may encompass additional genes. While this deletion is not anticipated to lead to nonsense mediated decay, it is expected to alter mRNA translation or result in a truncated protein product.

Literature cited by the submitters: PubMed 7695699; PubMed 8218237; PubMed 19344236.